The following is an entry in ClinVar:

ClinVar aggregate classification (germline): Uncertain significance. Review status: criteria provided, multiple submitters, no conflicts (2 of 4 stars). 3 submissions from 3 submitters: Uncertain significance (3). Last evaluated 2025-07-22.

Conditions:
USH2A-related disorder. Also called: USH2A-related condition; USH2A-related disorders. Identifiers: MedGen CN239332.

Allele frequency attached by ClinVar (database versions not stated): gnomAD 0.00001; gnomAD exomes 0.00001; TOPMed 0.00001.
gnomAD v4.1: 9 of 1,613,904 alleles (0.00056%); highest among the groups gnomAD compares: Non-Finnish European, 0.00076%; no homozygotes.

Submissions (3):

Myriad Genetics, Inc.
Classification: Uncertain significance for USH2A-related disorder. Last evaluated: 2025-07-22. Review status: criteria provided, single submitter. Criteria: Myriad Autosomal Dominant, Autosomal Recessive and X-Linked Classification Criteria (2023). Collection method: clinical testing. Allele origin: unknown.
Comment: NM_206933.2(USH2A):c.6749A>G(H2250R) is a missense variant classified as a variant of uncertain significance in the context of USH2A-related disorders. H2250R has been observed in a case with relevant disease (PMID: 38927702). Relevant functional assessments of this variant are not available in the literature. H2250R has not been observed in referenced population frequency databases. In summary, there is insufficient evidence to classify NM_206933.2(USH2A):c.6749A>G(H2250R) as pathogenic or benign. Please note: this variant was assessed in the context of healthy population screening.

Labcorp Genetics (formerly Invitae), Labcorp
Classification: Uncertain significance. Last evaluated: 2022-07-26. Review status: criteria provided, single submitter. Criteria: Invitae Variant Classification Sherloc (09022015). Collection method: clinical testing. Allele origin: germline.
Comment: This sequence change replaces histidine, which is basic and polar, with arginine, which is basic and polar, at codon 2250 of the USH2A protein (p.His2250Arg). This variant is present in population databases (no rsID available, gnomAD 0.007%). This variant has not been reported in the literature in individuals affected with USH2A-related conditions. Algorithms developed to predict the effect of missense changes on protein structure and function output the following: SIFT: "Tolerated"; PolyPhen-2: "Benign"; Align-GVGD: "Class C0". The arginine amino acid residue is found in multiple mammalian species, which suggests that this missense change does not adversely affect protein function. In summary, the available evidence is currently insufficient to determine the role of this variant in disease. Therefore, it has been classified as a Variant of Uncertain Significance.

Blueprint Genetics
Classification: Uncertain significance. Last evaluated: 2022-04-08. Review status: criteria provided, single submitter. Criteria: ACMG Guidelines, 2015. Collection method: clinical testing. Allele origin: germline.

Literature cited by the submitters: PubMed 38927702 (cited by Myriad Genetics, Inc.).

NM_206933.4(USH2A):c.6749A>G (p.His2250Arg)

Gene: USH2A (usherin; minus strand). Cytogenetic location: 1q41.
Variant type: single nucleotide variant.
Coding change: c.6749A>G on transcript NM_206933.4 (MANE Select); coding-DNA position 6749, A replaced by G.
Protein change: p.His2250Arg; replaces histidine 2250 with arginine.
Molecular consequence: missense variant.
Genome position (GRCh38, 1-based): chr1:215,993,076, T>C on the plus strand (A>G on the coding strand, the complement: USH2A is on the minus strand). VCF-style: chr1-215993076-T-C. GRCh37 (hg19) VCF-style: chr1-216166418-T-C.
Other names: short protein forms H2250R.
Identifiers: ClinVar variation 2157297 (VCV002157297.3), dbSNP rs1476492578, ClinGen allele CA344860404.
Genomic context (GRCh38, chr1:215,993,076, plus strand): 5'-TTACCATTCGGATATTCAGGCTCAGTCCAGGAGACATTAAAGGAGTCAGGTGAATATGAG[T>C]GGGCTTTGGGGGCTGGCACGCCTTCGGGTATGTCCTCGTCAGTTAGGGCCTCACTGGCCT-3'
Protein context (NP_996816.3, residues 2240-2260): IPEGVPAPKA[His2250Arg]SYSPDSFNVS